The following is an entry in ClinVar:

NM_001277115.2(DNAH11):c.3201T>C (p.His1067=)

Genes: DNAH11 (dynein axonemal heavy chain 11; plus strand), LOC126859961 (BRD4-independent group 4 enhancer GRCh37_chr7:21639662-21640861; plus strand). Cytogenetic location: 7p15.3.
Variant type: single nucleotide variant.
Coding change: c.3201T>C on transcript NM_001277115.2 (MANE Select); coding-DNA position 3201, T replaced by C.
Protein change: p.His1067=; no amino-acid change (histidine 1067 retained).
Molecular consequence: synonymous variant.
Genome position (GRCh38, 1-based): chr7:21,600,876, T>C. VCF-style: chr7-21600876-T-C. GRCh37 (hg19) VCF-style: chr7-21640494-T-C.
Identifiers: ClinVar variation 416414 (VCV000416414.16), dbSNP rs367776408, ClinGen allele CA4179553.

ClinVar aggregate classification (germline): Likely benign. Review status: criteria provided, multiple submitters, no conflicts (2 of 4 stars). 4 submissions from 4 submitters: Likely benign (4). Last evaluated 2026-07-17.

Conditions:
DNAH11-related disorder. Also called: DNAH11-related condition.
Primary ciliary dyskinesia. Also called: Ciliary dyskinesia. Identifiers: Orphanet 244, MedGen C0008780, MONDO:0016575, HP:0012265.

Allele frequency attached by ClinVar (database versions not stated): gnomAD exomes 0.00003 and 0.00018; ESP Exome Variant Server 0.00008; gnomAD 0.00011 and 0.00013; TOPMed 0.00015; ExAC 0.00016; 1000 Genomes Project 30x 0.00047; 1000 Genomes Project 0.00060.
gnomAD v4.1: 93 of 1,613,968 alleles (0.0058%); highest among the groups gnomAD compares: East Asian, 0.087%; no homozygotes.

Submissions (4):

PreventionGenetics, part of Exact Sciences
Classification: Likely benign for DNAH11-related condition. Last evaluated: 2026-07-17. Review status: criteria provided, single submitter. Criteria: ACMG Guidelines, 2015. Collection method: clinical testing. Allele origin: germline.
Comment: This variant is classified as likely benign based on ACMG/AMP sequence variant interpretation guidelines (Richards et al. 2015 PMID: 25741868, with internal and published modifications).

Labcorp Genetics (formerly Invitae), Labcorp
Classification: Likely benign for Primary ciliary dyskinesia. Last evaluated: 2026-01-06. Review status: criteria provided, single submitter. Criteria: Invitae Variant Classification Sherloc (09022015). Collection method: clinical testing. Allele origin: germline.

Blueprint Genetics
Classification: Likely benign. Last evaluated: 2024-11-26. Review status: criteria provided, single submitter. Criteria: ACMG Guidelines, 2015. Collection method: clinical testing. Allele origin: germline.

Ambry Genetics
Classification: Likely benign for Primary ciliary dyskinesia. Last evaluated: 2015-08-11. Review status: criteria provided, single submitter. Criteria: Ambry Variant Classification Scheme 2023. Collection method: clinical testing. Allele origin: germline.